The following is an entry in ClinVar:

ClinVar aggregate classification (germline): Uncertain significance. Review status: criteria provided, multiple submitters, no conflicts (2 of 4 stars). 7 submissions from 7 submitters: Uncertain significance (6). 1 of the submissions does not count toward it. Last evaluated 2024-11-07.

Conditions:
Fanconi anemia (FA). Also called: Fanconi's anemia. Identifiers: Orphanet 84, MedGen C0015625, MeSH D005199, MONDO:0019391.
Fanconi anemia complementation group A (FANCA). Also called: FANCA-Related Fanconi Anemia; Fanconi anemia, group A. Identifiers: Orphanet 84, MedGen C3469521, MONDO:0009215, OMIM 227650.

Allele frequency attached by ClinVar (database versions not stated): gnomAD 0.00001; ExAC 0.00002; gnomAD exomes 0.00002 and 0.00007; TOPMed 0.00003.

Submissions (7):

Blueprint Genetics
Classification: Uncertain significance. Last evaluated: 2024-11-07. Review status: criteria provided, single submitter. Criteria: ACMG Guidelines, 2015. Collection method: clinical testing. Allele origin: germline.

Quest Diagnostics Nichols Institute San Juan Capistrano
Classification: Uncertain significance. Last evaluated: 2024-06-11. Review status: criteria provided, single submitter. Criteria: Quest Diagnostics criteria. Collection method: clinical testing. Allele origin: unknown.
Comment: The FANCA c.487C>T (p.Arg163Cys) variant has not been reported in individuals with FANCA-related conditions in the published literature. The frequency of this variant in the general population, 0.000087 (3/34590 chromosomes (Genome Aggregation Database)), is uninformative in the assessment of its pathogenicity. Analysis of this variant using bioinformatics tools for the prediction of the effect of amino acid changes on protein structure and function yielded conflicting predictions that this variant is benign or damaging. Based on the available information, we are unable to determine the clinical significance of this variant.

Labcorp Genetics (formerly Invitae), Labcorp
Classification: Uncertain significance for Fanconi anemia. Last evaluated: 2022-07-18. Review status: criteria provided, single submitter. Criteria: Invitae Variant Classification Sherloc (09022015). Collection method: clinical testing. Allele origin: germline.
Comment: This sequence change replaces arginine, which is basic and polar, with cysteine, which is neutral and slightly polar, at codon 163 of the FANCA protein (p.Arg163Cys). This variant is present in population databases (rs747651383, gnomAD 0.009%). This variant has not been reported in the literature in individuals affected with FANCA-related conditions. ClinVar contains an entry for this variant (Variation ID: 847400). Algorithms developed to predict the effect of missense changes on protein structure and function are either unavailable or do not agree on the potential impact of this missense change (SIFT: "Tolerated"; PolyPhen-2: "Possibly Damaging"; Align-GVGD: "Class C0"). In summary, the available evidence is currently insufficient to determine the role of this variant in disease. Therefore, it has been classified as a Variant of Uncertain Significance.

Fulgent Genetics
Classification: Uncertain significance for Fanconi anemia complementation group A. Last evaluated: 2021-08-26. Review status: criteria provided, single submitter. Criteria: ACMG Guidelines, 2015. Collection method: clinical testing. Allele origin: unknown.

Sema4
Classification: Uncertain significance for Fanconi anemia. Last evaluated: 2021-05-18. Review status: criteria provided, single submitter. Criteria: Sema4 Curation Guidelines. Collection method: curation. Allele origin: germline.
Comment: The FANCA c.487C>T (p.R163C) variant has not been reported in the literature to our knowledge. It was observed in 3/34590 chromosomes in the Latino subpopulation in the large and broad cohorts of the Genome Aggregation Database (PMID: 32461654). The variant has been reported in ClinVar (Variation ID: 847400). In silico tools suggest the impact of the variant on protein function is inconclusive, though these predictions have not been confirmed by functional studies. The evidence is insufficient to meet ACMG/AMP criteria for classifying the variant as benign or pathogenic. Thus, the clinical significance of this variant is currently uncertain.

GeneDx
Classification: Uncertain significance. Last evaluated: 2019-04-17. Review status: criteria provided, single submitter. Criteria: GeneDx Variant Classification Process June 2021. Collection method: clinical testing. Allele origin: germline. Affected: yes.
Comment: Has not been previously published as pathogenic or benign to our knowledge

Natera, Inc.
Classification: Uncertain significance for Fanconi anemia, group A. Last evaluated: 2020-09-16. Review status: no assertion criteria provided. Collection method: clinical testing. Allele origin: germline. Not counted in ClinVar's aggregate classification.

NM_000135.4(FANCA):c.487C>T (p.Arg163Cys)

Gene: FANCA (FA complementation group A; minus strand). Cytogenetic location: 16q24.3.
Variant type: single nucleotide variant.
Coding change: c.487C>T on transcript NM_000135.4 (MANE Select); coding-DNA position 487, C replaced by T.
Protein change: p.Arg163Cys; replaces arginine 163 with cysteine.
Molecular consequence: missense variant. On other transcripts: intron variant (1).
Genome position (GRCh38, 1-based): chr16:89,810,742, G>A on the plus strand (C>T on the coding strand, the complement: FANCA is on the minus strand). VCF-style: chr16-89810742-G-A. GRCh37 (hg19) VCF-style: chr16-89877150-G-A.
Other names: c.487C>T (NM_000135.3); c.487C>T, p.Arg163Cys (NM_001018112.3, NM_001286167.3); c.426+187C>T (NM_001351830.2); short protein forms R163C.
Identifiers: ClinVar variation 847400 (VCV000847400.11), dbSNP rs747651383, ClinGen allele CA8252994.